The following is an entry in ClinVar:

ClinVar aggregate classification (germline): Pathogenic. Review status: criteria provided, multiple submitters, no conflicts (2 of 4 stars). 2 submissions from 2 submitters: Pathogenic (2). Last evaluated 2025-05-22.

Conditions:
ACVRL1-related disorder. Also called: ACVRL1-related condition; ACVRL1-related disorders.
Telangiectasia, hereditary hemorrhagic, type 2 (HHT2). Also called: ACVRL1-Related Hereditary Hemorrhagic Telangiectasia; Telangiectasia, hereditary hemorrhagic, type II. Identifiers: Orphanet 774, MedGen C1838163, MONDO:0010880, OMIM 600376. Disease mechanism: loss of function.

Submissions (2):

Labcorp Genetics (formerly Invitae), Labcorp
Classification: Pathogenic for Telangiectasia, hereditary hemorrhagic, type 2. Last evaluated: 2025-05-22. Review status: criteria provided, single submitter. Criteria: Invitae Variant Classification Sherloc (09022015). Collection method: clinical testing. Allele origin: germline.
Comment: This sequence change creates a premature translational stop signal (p.Trp141*) in the ACVRL1 gene. It is expected to result in an absent or disrupted protein product. Loss-of-function variants in ACVRL1 are known to be pathogenic (PMID: 15879500). This variant is not present in population databases (gnomAD no frequency). This premature translational stop signal has been observed in individual(s) with hereditary hemorrhagic telangiectasia (PMID: 9245985). For these reasons, this variant has been classified as Pathogenic.

Blueprint Genetics
Classification: Pathogenic for ACVRL1-related disorders. Last evaluated: 2024-10-21. Review status: criteria provided, single submitter. Criteria: ACMG Guidelines, 2015. Collection method: clinical testing. Allele origin: germline. Affected: yes. Observed: 1 variant allele.

Literature cited by the submitters: PubMed 15879500 (cited by Labcorp Genetics (formerly Invitae), Labcorp); PubMed 9245985 (cited by Labcorp Genetics (formerly Invitae), Labcorp).

NM_000020.3(ACVRL1):c.422G>A (p.Trp141Ter)

Gene: ACVRL1 (activin A receptor like type 1; plus strand). Cytogenetic location: 12q13.13.
Variant type: single nucleotide variant.
Coding change: c.422G>A on transcript NM_000020.3 (MANE Select); coding-DNA position 422, G replaced by A.
Protein change: p.Trp141Ter; replaces tryptophan 141 with a stop codon.
Molecular consequence: nonsense. On other transcripts: intron variant (6).
Genome position (GRCh38, 1-based): chr12:51,913,667, G>A. VCF-style: chr12-51913667-G-A. GRCh37 (hg19) VCF-style: chr12-52307451-G-A.
Other names: c.422G>A, p.Trp141Ter (NM_001077401.2, NM_001406487.1, NM_001406488.1 and 1 more transcripts); c.313+317G>A (NM_001406491.1, NM_001406490.1, NM_001406492.1 and 2 more transcripts); c.62-772G>A (NM_001406495.1); short protein forms W141*.
Identifiers: ClinVar variation 4719996 (VCV004719996.2).